The following is an entry in ClinVar:

NM_014053.4(FLVCR1):c.1291dup (p.Thr431fs)

Gene: FLVCR1 (FLVCR choline and heme transporter 1; plus strand). Cytogenetic location: 1q32.3.
Variant type: Duplication.
Coding change: c.1291dup on transcript NM_014053.4 (MANE Select); coding-DNA position 1291, one base duplicated (A; older notation c.1291dupA).
Protein change: p.Thr431fs; shifts the reading frame from threonine 431.
Molecular consequence: frameshift variant.
Genome position (GRCh38, 1-based): chr1:212,887,985, A duplicated. VCF-style (leftmost placement, unchanged base first): chr1-212887984-T-TA. GRCh37 (hg19) VCF-style: chr1-213061326-T-TA.
Other names: short protein forms T431fs.
Identifiers: ClinVar variation 1069108 (VCV001069108.7), dbSNP rs2102568882, ClinGen allele CA2499214432.

ClinVar aggregate classification (germline): Pathogenic (1 of 4 stars; one submission).

Submission:

Labcorp Genetics (formerly Invitae), Labcorp
Classification: Pathogenic. Last evaluated: 2022-03-10. Review status: criteria provided, single submitter. Criteria: Invitae Variant Classification Sherloc (09022015). Collection method: clinical testing. Allele origin: germline.
Comment: ClinVar contains an entry for this variant (Variation ID: 1069108). This variant has not been reported in the literature in individuals affected with FLVCR1-related conditions. This variant is not present in population databases (gnomAD no frequency). This sequence change creates a premature translational stop signal (p.Thr431Asnfs*18) in the FLVCR1 gene. It is expected to result in an absent or disrupted protein product. Loss-of-function variants in FLVCR1 are known to be pathogenic (PMID: 23591405, 27923065). For these reasons, this variant has been classified as Pathogenic.

Literature cited by the submitters: PubMed 23591405; PubMed 27923065.